The following is an entry in ClinVar:

ClinVar aggregate classification (germline): Conflicting classifications of pathogenicity. Review status: criteria provided, conflicting classifications (1 of 4 stars). 28 submissions from 20 submitters: Uncertain significance (1); Benign (20). 7 of the submissions do not count toward it. Last evaluated 2026-02-04.

Conditions:
DSP-related disorder. Also called: DSP-related condition; DSP-related disorders.
Cardiomyopathy, dilated, with wooly hair, keratoderma, and tooth agenesis. Also called: Cardiomyopathy, dilated, with woolly hair, keratoderma, and tooth agenesis; Erythrokeratodermia-cardiomyopathy syndrome. Identifiers: Orphanet 476096, Orphanet 65282, MedGen C4014393, MONDO:0014355, OMIM 615821.
Cardiovascular phenotype. Identifiers: MedGen CN230736.
Cardiomyopathy (CMYO). Also called: Cardiomyopathies. Identifiers: Orphanet 167848, MedGen C0878544, MONDO:0004994, HP:0001638. Inheritance: Various modes of inheritance.
Arrhythmogenic cardiomyopathy with wooly hair and keratoderma. Also called: Dilated cardiomyopathy with woolly hair and keratoderma; Arrhythmogenic cardiomyopathy with woolly hair and keratoderma; PALMOPLANTAR KERATODERMA WITH LEFT VENTRICULAR CARDIOMYOPATHY AND WOOLLY HAIR; Carvajal syndrome. Identifiers: Orphanet 65282, MedGen C1854063, MONDO:0011581, OMIM 605676.
Arrhythmogenic right ventricular dysplasia 8 (ARVD8). Also called: Arrhythmogenic Right Ventricular Dysplasia/Cardiomyopathy 8; ARRHYTHMOGENIC RIGHT VENTRICULAR DYSPLASIA, FAMILIAL, 8; ARRHYTHMOGENIC RIGHT VENTRICULAR CARDIOMYOPATHY 8. Identifiers: MedGen C1843896, MONDO:0011831, OMIM 607450.
Keratosis palmoplantaris striata 2. Also called: KERATODERMA, PALMOPLANTAR, STRIATE FORM II; STRIATE PALMOPLANTAR KERATODERMA II; Keratosis palmoplantaris striata II. Identifiers: MedGen C1852127, MONDO:0013034, OMIM 612908.
Lethal acantholytic epidermolysis bullosa (EBLA). Identifiers: Orphanet 158687, MedGen C1864826, MONDO:0012323, OMIM 609638.
Woolly hair-skin fragility syndrome (WHSF). Identifiers: Orphanet 293165, MedGen C1843292, MONDO:0957307, OMIM 620415.

Allele frequency attached by ClinVar (database versions not stated): gnomAD 0.68624 and 0.69057; ESP Exome Variant Server 0.68807; TOPMed 0.69738; gnomAD exomes 0.70221 and 0.71426; 1000 Genomes Project 30x 0.70737; 1000 Genomes Project 0.70946; ExAC 0.71167.
gnomAD v4.1: 1,130,258 of 1,611,304 alleles (70%); highest among the groups gnomAD compares: East Asian, 81%; 397,692 homozygotes.

Submissions (28):

Labcorp Genetics (formerly Invitae), Labcorp
Classification: Benign for Arrhythmogenic cardiomyopathy with wooly hair and keratoderma; Arrhythmogenic right ventricular dysplasia 8. Last evaluated: 2026-02-04. Review status: criteria provided, single submitter. Criteria: Invitae Variant Classification Sherloc (09022015). Collection method: clinical testing. Allele origin: germline.

Molecular Diagnostic Laboratory for Inherited Cardiovascular Disease, Montreal Heart Institute
Classification: Benign. Last evaluated: 2025-02-17. Review status: criteria provided, single submitter. Criteria: ACMG Guidelines, 2015. Collection method: clinical testing. Allele origin: germline. Affected: no.

Blueprint Genetics
Classification: Benign. Last evaluated: 2024-11-27. Review status: criteria provided, single submitter. Criteria: ACMG Guidelines, 2015. Collection method: clinical testing. Allele origin: germline.

All of Us Research Program, National Institutes of Health
Classification: Uncertain significance for Arrhythmogenic cardiomyopathy with wooly hair and keratoderma. Last evaluated: 2024-01-11. Review status: criteria provided, single submitter. Criteria: ACMG Guidelines, 2015. Collection method: clinical testing. Allele origin: germline. Inheritance: Autosomal dominant inheritance. Observed: 1 variant allele, 1 homozygote.
Comment: This study involves interpretation of variants in research participants for the purpose of population health screening. Participant phenotype was not available at the time of variant classification. Additional details can be found in publication PMID: 35346344, PMCID: PMC8962531

Genome-Nilou Lab
Classification: Benign for Arrhythmogenic cardiomyopathy with wooly hair and keratoderma. Last evaluated: 2021-07-30. Review status: criteria provided, single submitter. Criteria: ACMG Guidelines, 2015. Collection method: clinical testing. Allele origin: germline. Affected: no.

Genome-Nilou Lab
Classification: Benign for Cardiomyopathy, dilated, with wooly hair, keratoderma, and tooth agenesis. Last evaluated: 2021-07-30. Review status: criteria provided, single submitter. Criteria: ACMG Guidelines, 2015. Collection method: clinical testing. Allele origin: germline. Affected: no.

Genome-Nilou Lab
Classification: Benign for Lethal acantholytic epidermolysis bullosa. Last evaluated: 2021-07-30. Review status: criteria provided, single submitter. Criteria: ACMG Guidelines, 2015. Collection method: clinical testing. Allele origin: germline. Affected: no.

Genome-Nilou Lab
Classification: Benign for Keratosis palmoplantaris striata 2. Last evaluated: 2021-07-30. Review status: criteria provided, single submitter. Criteria: ACMG Guidelines, 2015. Collection method: clinical testing. Allele origin: germline. Affected: no.

Genome-Nilou Lab
Classification: Benign for Arrhythmogenic cardiomyopathy with wooly hair and keratoderma. Last evaluated: 2021-07-30. Review status: criteria provided, single submitter. Criteria: ACMG Guidelines, 2015. Collection method: clinical testing. Allele origin: germline. Affected: no.

Color Diagnostics, LLC DBA Color Health
Classification: Benign for Cardiomyopathy. Last evaluated: 2018-04-08. Review status: criteria provided, single submitter. Criteria: ACMG Guidelines, 2015. Collection method: clinical testing. Allele origin: germline.

Illumina Laboratory Services, Illumina
Classification: Benign for Arrhythmogenic cardiomyopathy with wooly hair and keratoderma. Last evaluated: 2018-01-12. Review status: criteria provided, single submitter. Criteria: ICSL Variant Classification Criteria 13 December 2019. Collection method: clinical testing. Allele origin: germline.
Comment: This variant was observed in the ICSL laboratory as part of a predisposition screen in an ostensibly healthy population. It had not been previously curated by ICSL or reported in the Human Gene Mutation Database (HGMD: prior to June 1st, 2018), and was therefore a candidate for classification through an automated scoring system. Utilizing variant allele frequency, disease prevalence and penetrance estimates, and inheritance mode, an automated score was calculated to assess if this variant is too frequent to cause the disease. Based on the score and internal cut-off values, a variant classified as benign is not then subjected to further curation. The score for this variant resulted in a classification of benign for this disease.

Illumina Laboratory Services, Illumina
Classification: Benign for Arrhythmogenic right ventricular dysplasia 8. Last evaluated: 2018-01-12. Review status: criteria provided, single submitter. Criteria: ICSL Variant Classification Criteria 13 December 2019. Collection method: clinical testing. Allele origin: germline.
Comment: the same text as in the submission from Illumina Laboratory Services, Illumina above.

Illumina Laboratory Services, Illumina
Classification: Benign for Lethal acantholytic epidermolysis bullosa. Last evaluated: 2018-01-12. Review status: criteria provided, single submitter. Criteria: ICSL Variant Classification Criteria 13 December 2019. Collection method: clinical testing. Allele origin: germline.
Comment: the same text as in the submission from Illumina Laboratory Services, Illumina above.

Phosphorus, Inc.
Classification: Benign for Arrhythmogenic right ventricular dysplasia 8. Last evaluated: 2017-08-01. Review status: criteria provided, single submitter. Criteria: ACMG Guidelines, 2015. Collection method: clinical testing. Allele origin: germline. Observed: 22 variant alleles.

Phosphorus, Inc.
Classification: Benign for Cardiomyopathy, dilated, with wooly hair, keratoderma, and tooth agenesis. Last evaluated: 2017-08-01. Review status: criteria provided, single submitter. Criteria: ACMG Guidelines, 2015. Collection method: clinical testing. Allele origin: germline. Observed: 22 variant alleles.

Phosphorus, Inc.
Classification: Benign for Arrhythmogenic cardiomyopathy with wooly hair and keratoderma. Last evaluated: 2017-08-01. Review status: criteria provided, single submitter. Criteria: ACMG Guidelines, 2015. Collection method: clinical testing. Allele origin: germline. Observed: 22 variant alleles.

Ambry Genetics
Classification: Benign for Cardiovascular phenotype. Last evaluated: 2015-03-09. Review status: criteria provided, single submitter. Criteria: Ambry Variant Classification Scheme 2023. Collection method: clinical testing. Allele origin: germline.

GeneDx
Classification: Benign. Last evaluated: 2015-03-03. Review status: criteria provided, single submitter. Criteria: GeneDx Variant Classification Process June 2021. Collection method: clinical testing. Allele origin: germline. Affected: yes.

Eurofins Ntd Llc (ga)
Classification: Benign. Last evaluated: 2015-01-08. Review status: criteria provided, single submitter. Criteria: EGL Classification Definitions 2015. Collection method: clinical testing. Allele origin: germline. Observed: 4 variant alleles, 1 heterozygote, 3 homozygotes.

Mayo Clinic Laboratories, Mayo Clinic
Classification: Benign. Last evaluated: 2014-05-07. Review status: criteria provided, single submitter. Criteria: ACMG Guidelines, 2015. Collection method: clinical testing. Allele origin: germline. Observed: 1,175 variant alleles.

Laboratory for Molecular Medicine, Mass General Brigham Personalized Medicine
Classification: Benign. Last evaluated: 2011-07-20. Review status: criteria provided, single submitter. Criteria: LMM Criteria. Collection method: clinical testing. Allele origin: germline. Observed: 1,689 variant alleles.

PreventionGenetics, part of Exact Sciences
Classification: Benign for DSP-related condition. Last evaluated: 2023-01-12. Review status: no assertion criteria provided. Collection method: clinical testing. Allele origin: germline. Not counted in ClinVar's aggregate classification.
Comment: This variant is classified as benign based on ACMG/AMP sequence variant interpretation guidelines (Richards et al. 2015 PMID: 25741868, with internal and published modifications).

Cohesion Phenomics
Classification: Benign for Cardiomyopathy. Last evaluated: 2022-09-23. Review status: no assertion criteria provided. Criteria: ACMG Guidelines, 2015. Collection method: clinical testing. Allele origin: germline. Affected: yes. Not counted in ClinVar's aggregate classification.

Clinical Genetics DNA and cytogenetics Diagnostics Lab, Erasmus MC, Erasmus Medical Center
Classification: Benign. Review status: no assertion criteria provided. Collection method: clinical testing. Allele origin: germline. Affected: yes. Study: VKGL Data-share Consensus. Not counted in ClinVar's aggregate classification.

Clinical Genetics, Academic Medical Center
Classification: Benign. Review status: no assertion criteria provided. Collection method: clinical testing. Allele origin: germline. Affected: yes. Study: VKGL Data-share Consensus. Not counted in ClinVar's aggregate classification.

Diagnostic Laboratory, Department of Genetics, University Medical Center Groningen
Classification: Benign. Review status: no assertion criteria provided. Collection method: clinical testing. Allele origin: germline. Affected: yes. Study: VKGL Data-share Consensus. Not counted in ClinVar's aggregate classification.

Genome Diagnostics Laboratory, University Medical Center Utrecht
Classification: Benign. Review status: no assertion criteria provided. Collection method: clinical testing. Allele origin: germline. Affected: yes. Study: VKGL Data-share Consensus. Not counted in ClinVar's aggregate classification.

Joint Genome Diagnostic Labs from Nijmegen and Maastricht, Radboudumc and MUMC+
Classification: Benign. Review status: no assertion criteria provided. Collection method: clinical testing. Allele origin: germline. Affected: yes. Study: VKGL Data-share Consensus. Not counted in ClinVar's aggregate classification.

NM_004415.4(DSP):c.8472G>C (p.Gly2824=)

Gene: DSP (desmoplakin; plus strand). Cytogenetic location: 6p24.3.
Variant type: single nucleotide variant.
Coding change: c.8472G>C on transcript NM_004415.4 (MANE Select); coding-DNA position 8472, G replaced by C.
Protein change: p.Gly2824=; no amino-acid change (glycine 2824 retained).
Molecular consequence: synonymous variant.
Genome position (GRCh38, 1-based): chr6:7,585,734, G>C. VCF-style: chr6-7585734-G-C. GRCh37 (hg19) VCF-style: chr6-7585967-G-C.
Other names: p.Gly2824=; c.6675G>C, p.Gly2225= (NM_001008844.3); c.7143G>C, p.Gly2381= (NM_001319034.2).
Identifiers: ClinVar variation 44967 (VCV000044967.48), dbSNP rs2744380, ClinGen allele CA007601.